The following is an entry in ClinVar:

NM_001130987.2(DYSF):c.5363G>A (p.Arg1788His)

Gene: DYSF (dysferlin; plus strand). Cytogenetic location: 2p13.2.
Variant type: single nucleotide variant.
Coding change: c.5363G>A on transcript NM_001130987.2 (MANE Select); coding-DNA position 5363, G replaced by A.
Protein change: p.Arg1788His; replaces arginine 1788 with histidine.
Molecular consequence: missense variant.
Genome position (GRCh38, 1-based): chr2:71,667,421, G>A. VCF-style: chr2-71667421-G-A. GRCh37 (hg19) VCF-style: chr2-71894551-G-A.
Other names: c.5249G>A, p.Arg1750His (NM_001130455.2); c.5204G>A, p.Arg1735His (NM_001130976.2); c.5267G>A, p.Arg1756His (NM_001130977.2); c.5309G>A, p.Arg1770His (NM_001130978.2); c.5339G>A, p.Arg1780His (NM_001130979.2); c.5297G>A, p.Arg1766His (NM_001130980.2); c.5360G>A, p.Arg1787His (NM_001130981.2); c.5342G>A, p.Arg1781His (NM_001130982.2); and 5 more; short protein forms R1749H, R1788H, R1735H, R1756H, R1757H, R1767H, R1770H, R1781H.
Identifiers: ClinVar variation 538624 (VCV000538624.30), dbSNP rs531935195, ClinGen allele CA1707346.
Genomic context (GRCh38, chr2:71,667,421, plus strand): 5'-TTCTCTCTGGGGCAGAGGCTGGCAGGATCCCAAACCCACACCTGGGCCCAGTGGAGGAGC[G>A]TCTGGCTCTGCATGTGCTTCAGCAGCAGGGCCTGGTCCCGGAGCACGTGGAGTCACGGCC-3'
Protein context (NP_001124459.1, residues 1778-1798): PNPHLGPVEE[Arg1788His]LALHVLQQQG

ClinVar aggregate classification (germline): Conflicting classifications of pathogenicity. Review status: criteria provided, conflicting classifications (1 of 4 stars). 4 submissions from 4 submitters: Uncertain significance (2); Likely benign (1). 1 of the submissions does not count toward it. Last evaluated 2025-08-09.

Conditions:
Neuromuscular disease caused by qualitative or quantitative defects of dysferlin. Also called: Dysferlinopathy; Qualitative or quantitative defects of dysferlin. Identifiers: Orphanet 207073, MedGen C2931687, MONDO:0016145.
Autosomal recessive limb-girdle muscular dystrophy type 2B (LGMDR2). Also called: MUSCULAR DYSTROPHY, LIMB-GIRDLE, TYPE 3; Limb-girdle muscular dystrophy, type 2B; MUSCULAR DYSTROPHY, LIMB-GIRDLE, AUTOSOMAL RECESSIVE 2; Limb-Girdle Muscular Dystrophy Type 2B (LGMD2B). Identifiers: Orphanet 268, MedGen C1850889, MONDO:0009676, OMIM 253601.

Allele frequency attached by ClinVar (database versions not stated): ExAC 0.00003; gnomAD 0.00003; gnomAD exomes 0.00004; TOPMed 0.00005.
gnomAD v4.1: 34 of 1,613,990 alleles (0.0021%); highest among the groups gnomAD compares: East Asian, 0.0089%; no homozygotes.

Submissions (4):

Labcorp Genetics (formerly Invitae), Labcorp
Classification: Likely benign for Neuromuscular disease caused by qualitative or quantitative defects of dysferlin. Last evaluated: 2025-08-09. Review status: criteria provided, single submitter. Criteria: Invitae Variant Classification Sherloc (09022015). Collection method: clinical testing. Allele origin: germline.

CeGaT Center for Human Genetics Tuebingen
Classification: Uncertain significance. Last evaluated: 2024-04-01. Review status: criteria provided, single submitter. Criteria: CeGaT Center For Human Genetics Tuebingen Variant Classification Criteria Version 2. Collection method: clinical testing. Allele origin: germline. Affected: yes. Observed: 1 variant allele.
Comment: DYSF: PM2

Revvity Omics, Revvity
Classification: Uncertain significance. Last evaluated: 2019-05-20. Review status: criteria provided, single submitter. Criteria: ACMG Guidelines, 2015. Collection method: clinical testing. Allele origin: germline.

Natera, Inc.
Classification: Uncertain significance for Limb-girdle muscular dystrophy type 2B. Last evaluated: 2020-01-17. Review status: no assertion criteria provided. Collection method: clinical testing. Allele origin: germline. Not counted in ClinVar's aggregate classification.